The following is an entry in ClinVar:

ClinVar aggregate classification (germline): Uncertain significance (1 of 4 stars; one submission).

Submission:

GeneDx
Classification: Uncertain significance. Last evaluated: 2023-10-12. Review status: criteria provided, single submitter. Criteria: GeneDx Variant Classification Process June 2021. Collection method: clinical testing. Allele origin: germline. Affected: yes.
Comment: Not observed at significant frequency in large population cohorts (gnomAD); In silico analysis supports that this missense variant has a deleterious effect on protein structure/function; Has not been previously published as pathogenic or benign to our knowledge

NM_016333.4(SRRM2):c.829A>T (p.Ser277Cys)

Gene: SRRM2 (serine/arginine repetitive matrix 2; plus strand). Cytogenetic location: 16p13.3.
Variant type: single nucleotide variant.
Coding change: c.829A>T on transcript NM_016333.4 (MANE Select); coding-DNA position 829, A replaced by T.
Protein change: p.Ser277Cys; replaces serine 277 with cysteine.
Molecular consequence: missense variant.
Genome position (GRCh38, 1-based): chr16:2,759,657, A>T. VCF-style: chr16-2759657-A-T. GRCh37 (hg19) VCF-style: chr16-2809658-A-T.
Other names: short protein forms S277C.
Identifiers: ClinVar variation 3366008 (VCV003366008.1).
Genomic context (GRCh38, chr16:2,759,657, plus strand): 5'-AGCCGCCGGGCCCACCGTTCAACTTCTGCTGACTCTGCTTCCTCCTCCGATACTTCCCGC[A>T]GTCGGTAAGGGGTAGTCCAGGAGGAAGGGAGGGAGAGGGAATGATGGGTTAATTAATTTA-3'
Protein context (NP_057417.3, residues 267-287): DSASSSDTSR[Ser277Cys]RSRSAAAKTH